The following is an entry in ClinVar:

NM_000070.3(CAPN3):c.1411C>T (p.Pro471Ser)

Gene: CAPN3 (calpain 3; plus strand). Cytogenetic location: 15q15.1.
Variant type: single nucleotide variant.
Coding change: c.1411C>T on transcript NM_000070.3 (MANE Select); coding-DNA position 1411, C replaced by T.
Protein change: p.Pro471Ser; replaces proline 471 with serine.
Molecular consequence: missense variant.
Genome position (GRCh38, 1-based): chr15:42,401,697, C>T. VCF-style: chr15-42401697-C-T. GRCh37 (hg19) VCF-style: chr15-42693895-C-T.
Other names: c.1411C>T, p.Pro471Ser (NM_024344.2); c.1267C>T, p.Pro423Ser (NM_173087.2); short protein forms P423S, P471S.
Identifiers: ClinVar variation 3365679 (VCV003365679.1).

ClinVar aggregate classification (germline): Uncertain significance (1 of 4 stars; one submission).

gnomAD v4.1: 24 of 1,614,024 alleles (0.0015%); highest among the groups gnomAD compares: Non-Finnish European, 0.0019%; no homozygotes.

Submission:

GeneDx
Classification: Uncertain significance. Last evaluated: 2023-12-14. Review status: criteria provided, single submitter. Criteria: GeneDx Variant Classification Process June 2021. Collection method: clinical testing. Allele origin: germline. Affected: yes.
Comment: Not observed at significant frequency in large population cohorts (gnomAD); In silico analysis supports that this missense variant has a deleterious effect on protein structure/function; Has not been previously published as pathogenic or benign to our knowledge